The following is an entry in ClinVar:

NM_144670.6(A2ML1):c.1612_1616dup (p.Ile539fs)

Gene: A2ML1 (alpha-2-macroglobulin like 1; plus strand). Cytogenetic location: 12p13.31.
Variant type: Duplication.
Coding change: c.1612_1616dup on transcript NM_144670.6 (MANE Select); coding-DNA positions 1612 to 1616, 5 bases duplicated (GCCAT; older notation c.1612_1616dupGCCAT).
Protein change: p.Ile539fs; shifts the reading frame from isoleucine 539.
Molecular consequence: frameshift variant.
Genome position (GRCh38, 1-based): chr12:8,846,151-8,846,155, GCCAT duplicated; duplicating any 5 consecutive bases within chr12:8,846,149-8,846,155 gives the same sequence; the c. name uses the placement nearest the transcript's 3' end. VCF-style (leftmost placement, unchanged base first): chr12-8846148-T-TATGCC. GRCh37 (hg19) VCF-style: chr12-8998744-T-TATGCC.
Other names: c.139_143dup, p.Ile48fs (NM_001282424.3); short protein forms I48fs, I539fs.
Identifiers: ClinVar variation 1497840 (VCV001497840.6), dbSNP rs2136837411, ClinGen allele CA2573148441.

ClinVar aggregate classification (germline): Uncertain significance (1 of 4 stars; one submission).

Submission:

Labcorp Genetics (formerly Invitae), Labcorp
Classification: Uncertain significance. Last evaluated: 2021-07-25. Review status: criteria provided, single submitter. Criteria: Invitae Variant Classification Sherloc (09022015). Collection method: clinical testing. Allele origin: germline.
Comment: In summary, the available evidence is currently insufficient to determine the role of this variant in disease. Therefore, it has been classified as a Variant of Uncertain Significance. This variant has not been reported in the literature in individuals affected with A2ML1-related conditions. This variant is not present in population databases (ExAC no frequency). This sequence change creates a premature translational stop signal (p.Ile539Metfs*10) in the A2ML1 gene. It is expected to result in an absent or disrupted protein product. However, the current clinical and genetic evidence is not sufficient to establish whether loss-of-function variants in A2ML1 cause disease.